The following is an entry in ClinVar:

ClinVar aggregate classification (germline): Uncertain significance. Review status: criteria provided, multiple submitters, no conflicts (2 of 4 stars). 3 submissions from 3 submitters: Uncertain significance (3). Last evaluated 2026-04-20.

Conditions:
Autoimmune lymphoproliferative syndrome type 1. Also called: AUTOIMMUNE LYMPHOPROLIFERATIVE SYNDROME, TYPE I, AUTOSOMAL DOMINANT. Identifiers: Orphanet 3261, MedGen C2717884, MONDO:0011158, OMIM 601859.
Inborn genetic diseases. Identifiers: MedGen C0950123, MeSH D030342.
FAS-related disorder. Also called: FAS-related condition.

Allele frequency attached by ClinVar (database versions not stated): ExAC 0.00001; gnomAD exomes 0.00001; gnomAD 0.00005; ESP Exome Variant Server 0.00008; TOPMed 0.00009.
gnomAD v4.1: 20 of 1,613,734 alleles (0.0012%); highest among the groups gnomAD compares: African/African-American, 0.024%; no homozygotes.

Submissions (3):

PreventionGenetics, part of Exact Sciences
Classification: Uncertain significance for FAS-related condition. Last evaluated: 2026-04-20. Review status: criteria provided, single submitter. Criteria: ACMG Guidelines, 2015. Collection method: clinical testing. Allele origin: germline.
Comment: The FAS c.575G>A variant is predicted to result in the amino acid substitution p.Arg192Lys. To our knowledge, this variant has not been reported in the literature. This variant is reported in 0.024% of alleles in individuals of African descent in gnomAD. At this time, the clinical significance of this variant is uncertain due to the absence of conclusive functional and genetic evidence.

Labcorp Genetics (formerly Invitae), Labcorp
Classification: Uncertain significance for Autoimmune lymphoproliferative syndrome. Last evaluated: 2025-12-28. Review status: criteria provided, single submitter. Criteria: Invitae Variant Classification Sherloc (09022015). Collection method: clinical testing. Allele origin: germline.
Comment: This sequence change replaces arginine, which is basic and polar, with lysine, which is basic and polar, at codon 192 of the FAS protein (p.Arg192Lys). This variant is present in population databases (rs371290262, gnomAD 0.02%). This variant has not been reported in the literature in individuals affected with FAS-related conditions. ClinVar contains an entry for this variant (Variation ID: 2898173). Invitae Evidence Modeling of protein sequence and biophysical properties (such as structural, functional, and spatial information, amino acid conservation, physicochemical variation, residue mobility, and thermodynamic stability) indicates that this missense variant is not expected to disrupt FAS protein function with a negative predictive value of 80%. In summary, the available evidence is currently insufficient to determine the role of this variant in disease. Therefore, it has been classified as a Variant of Uncertain Significance.

Ambry Genetics
Classification: Uncertain significance for Inborn genetic diseases. Last evaluated: 2025-06-03. Review status: criteria provided, single submitter. Criteria: Ambry Variant Classification Scheme 2023. Collection method: clinical testing. Allele origin: germline.

NM_000043.6(FAS):c.575G>A (p.Arg192Lys)

Gene: FAS (Fas cell surface death receptor; plus strand). Cytogenetic location: 10q23.31.
Variant type: single nucleotide variant.
Coding change: c.575G>A on transcript NM_000043.6 (MANE Select); coding-DNA position 575, G replaced by A.
Protein change: p.Arg192Lys; replaces arginine 192 with lysine.
Molecular consequence: missense variant. On other transcripts: non-coding transcript variant (6), intron variant (1).
Genome position (GRCh38, 1-based): chr10:89,012,005, G>A. VCF-style: chr10-89012005-G-A. GRCh37 (hg19) VCF-style: chr10-90771762-G-A.
Other names: c.620G>A, p.Arg207Lys (NM_001410956.1); c.512G>A, p.Arg171Lys (NM_152871.4); c.575G>A, p.Arg192Lys (NM_152872.4); c.568+1190G>A (NM_001320619.2); c.575G>A (NM_000043.5); short protein forms R171K, R207K, R192K.
Identifiers: ClinVar variation 2898173 (VCV002898173.5), dbSNP rs371290262, ClinGen allele CA5593164.
Genomic context (GRCh38, chr10:89,012,005, plus strand): 5'-CATGCATTCTACAAGGCTGAGACCTGAGTTGATAAAATTTCTTTGTTCTTTCAGTGAAGA[G>A]AAAGGAAGTACAGAAAACATGCAGAAAGCACAGAAAGGAAAACCAAGGTTCTCATGAATC-3'
Protein context (NP_000034.1, residues 182-202): LPIPLIVWVK[Arg192Lys]KEVQKTCRKH